The following is an entry in ClinVar:

NM_001152.5(SLC25A5):c.261T>C (p.Leu87=)

Gene: SLC25A5 (solute carrier family 25 member 5; plus strand). Cytogenetic location: Xq24.
Variant type: single nucleotide variant.
Coding change: c.261T>C on transcript NM_001152.5 (MANE Select); coding-DNA position 261, T replaced by C.
Protein change: p.Leu87=; no amino-acid change (leucine 87 retained).
Molecular consequence: synonymous variant.
Genome position (GRCh38, 1-based): chrX:119,469,810, T>C. VCF-style: chrX-119469810-T-C. GRCh37 (hg19) VCF-style: chrX-118603773-T-C.
Identifiers: ClinVar variation 3059878 (VCV003059878.2), dbSNP rs148920941, ClinGen allele CA10502048.

ClinVar aggregate classification (germline): Likely benign (0 of 4 stars; one submission).

Conditions:
SLC25A5-related disorder. Also called: SLC25A5-related condition.

Allele frequency attached by ClinVar (database versions not stated): ExAC 0.04192.

Submission:

PreventionGenetics, part of Exact Sciences
Classification: Likely benign for SLC25A5-related condition. Last evaluated: 2020-01-15. Review status: no assertion criteria provided. Collection method: clinical testing. Allele origin: germline.
Comment: This variant is classified as likely benign based on ACMG/AMP sequence variant interpretation guidelines (Richards et al. 2015 PMID: 25741868, with internal and published modifications).